The following is an entry in ClinVar:

NM_000043.6(FAS):c.635C>T (p.Ser212Phe)

Gene: FAS (Fas cell surface death receptor; plus strand). Cytogenetic location: 10q23.31.
Variant type: single nucleotide variant.
Coding change: c.635C>T on transcript NM_000043.6 (MANE Select); coding-DNA position 635, C replaced by T.
Protein change: p.Ser212Phe; replaces serine 212 with phenylalanine.
Molecular consequence: missense variant. On other transcripts: non-coding transcript variant (6), intron variant (1).
Genome position (GRCh38, 1-based): chr10:89,012,065, C>T. VCF-style: chr10-89012065-C-T. GRCh37 (hg19) VCF-style: chr10-90771822-C-T.
Other names: c.635C>T, p.Ser212Phe (NM_152872.4); c.568+1250C>T (NM_001320619.2); c.680C>T, p.Ser227Phe (NM_001410956.1); c.572C>T, p.Ser191Phe (NM_152871.4); short protein forms S227F, S191F, S212F.
Identifiers: ClinVar variation 2780308 (VCV002780308.3), dbSNP rs1393611155, ClinGen allele CA377509359.

ClinVar aggregate classification (germline): Uncertain significance (1 of 4 stars; one submission).

Conditions:
Autoimmune lymphoproliferative syndrome type 1. Also called: AUTOIMMUNE LYMPHOPROLIFERATIVE SYNDROME, TYPE I, AUTOSOMAL DOMINANT. Identifiers: Orphanet 3261, MedGen C2717884, MONDO:0011158, OMIM 601859.

Allele frequency attached by ClinVar (database versions not stated): gnomAD exomes below 0.00001.
gnomAD v4.1: 1 of 1,613,446 alleles (0.000062%); highest among the groups gnomAD compares: Non-Finnish European, 0.000085%; no homozygotes.

Submission:

Labcorp Genetics (formerly Invitae), Labcorp
Classification: Uncertain significance for Autoimmune lymphoproliferative syndrome. Last evaluated: 2023-10-29. Review status: criteria provided, single submitter. Criteria: Invitae Variant Classification Sherloc (09022015). Collection method: clinical testing. Allele origin: germline.
Comment: This sequence change replaces serine, which is neutral and polar, with phenylalanine, which is neutral and non-polar, at codon 212 of the FAS protein (p.Ser212Phe). This variant is present in population databases (no rsID available, gnomAD 0.0009%). This variant has not been reported in the literature in individuals affected with FAS-related conditions. Algorithms developed to predict the effect of missense changes on protein structure and function output the following: SIFT: "Not Available"; PolyPhen-2: "Benign"; Align-GVGD: "Not Available". The phenylalanine amino acid residue is found in multiple mammalian species, which suggests that this missense change does not adversely affect protein function. In summary, the available evidence is currently insufficient to determine the role of this variant in disease. Therefore, it has been classified as a Variant of Uncertain Significance.